The following is an entry in ClinVar:

ClinVar aggregate classification (germline): Uncertain significance (1 of 4 stars; one submission).

Submission:

Labcorp Genetics (formerly Invitae), Labcorp
Classification: Uncertain significance. Last evaluated: 2025-03-22. Review status: criteria provided, single submitter. Criteria: Invitae Variant Classification Sherloc (09022015). Collection method: clinical testing. Allele origin: germline.
Comment: This sequence change replaces aspartic acid, which is acidic and polar, with glutamic acid, which is acidic and polar, at codon 1730 of the TET2 protein (p.Asp1730Glu). This variant is not present in population databases (gnomAD no frequency). This variant has not been reported in the literature in individuals affected with TET2-related conditions. An algorithm developed to predict the effect of missense changes on protein structure and function outputs the following: PolyPhen-2: "Benign". The glutamic acid amino acid residue is found in multiple mammalian species, which suggests that this missense change does not adversely affect protein function. In summary, the available evidence is currently insufficient to determine the role of this variant in disease. Therefore, it has been classified as a Variant of Uncertain Significance.

NM_001127208.3(TET2):c.5190T>A (p.Asp1730Glu)

Genes: TET2 (tet methylcytosine dioxygenase 2; plus strand), TET2-AS1 (TET2 antisense RNA 1; minus strand). Cytogenetic location: 4q24.
Variant type: single nucleotide variant.
Coding change: c.5190T>A on transcript NM_001127208.3 (MANE Select); coding-DNA position 5190, T replaced by A.
Protein change: p.Asp1730Glu; replaces aspartic acid 1730 with glutamic acid.
Molecular consequence: missense variant.
Genome position (GRCh38, 1-based): chr4:105,275,700, T>A. VCF-style: chr4-105275700-T-A. GRCh37 (hg19) VCF-style: chr4-106196857-T-A.
Other names: short protein forms D1730E.
Identifiers: ClinVar variation 4772775 (VCV004772775.1).